The following is an entry in ClinVar:

NM_000077.5(CDKN2A):c.302G>A (p.Gly101Glu)

Gene: CDKN2A (cyclin dependent kinase inhibitor 2A; minus strand). Cytogenetic location: 9p21.3.
Variant type: single nucleotide variant.
Coding change: c.302G>A on transcript NM_000077.5; coding-DNA position 302, G replaced by A.
Protein change: p.Gly101Glu; replaces glycine 101 with glutamic acid.
Molecular consequence: missense variant (on NM_000077.6). On other transcripts: synonymous variant (1), 3 prime UTR variant (1).
Genome position (GRCh38, 1-based): chr9:21,971,057, C>T on the plus strand (G>A on the coding strand, the complement: CDKN2A is on the minus strand). VCF-style: chr9-21971057-C-T. GRCh37 (hg19) VCF-style: chr9-21971056-C-T.
Other names: c.302G>A, p.Gly101Glu (NM_000077.6, NM_001195132.2); c.149G>A, p.Gly50Glu (NM_001363763.2); c.345G>A, p.Arg115= (NM_058195.4); c.*225G>A (NM_058197.5); short protein forms G101E, G50E.
Identifiers: ClinVar variation 419180 (VCV000419180.2), dbSNP rs750414596, ClinGen allele CA5012190.

ClinVar aggregate classification (germline): Uncertain significance (1 of 4 stars; one submission).

Allele frequency attached by ClinVar (database versions not stated): gnomAD exomes below 0.00001; ExAC 0.00001.

Submission:

GeneDx
Classification: Uncertain significance. Last evaluated: 2015-06-06. Review status: criteria provided, single submitter. Criteria: GeneDx Variant Classification (06012015). Collection method: clinical testing. Allele origin: germline. Affected: yes.
Comment: This variant is denoted CDKN2A c.302G>A at the cDNA level, p.Gly101Glu (G101E) at the protein level, and results in the change of a Glycine to a Glutamic Acid (GGG>GAG). This variant was observed in at least one individual with a single primary melanoma (Nikolaou 2011). Functional analysis identified that this variant had similar results as wild type in a cell cycle arrest assay (Miller 2011). CDKN2A Gly101Glu was not observed in approximately 6,500 individuals of European and African American ancestry in the NHLBI Exome Sequencing Project, indicating it is not a common benign variant in these populations. Since Glycine and Glutamic Acid differ in polarity, charge, size or other properties, this is considered a non-conservative amino acid substitution. CDKN2A Gly101Glu occurs at a position that is conserved in mammals and is located in the ANK 3 repeat domain (UniProt). In silico analyses predict that this variant is probably damaging to protein structure and function. Based on the current evidence, it is unclear whether CDKN2A Gly101Glu is pathogenic or benign. We consider it to be a variant of uncertain significance.